The following is an entry in ClinVar:

NM_000222.3(KIT):c.1290A>G (p.Ala430=)

Gene: KIT (KIT proto-oncogene, receptor tyrosine kinase; plus strand). Cytogenetic location: 4q12.
Variant type: single nucleotide variant.
Coding change: c.1290A>G on transcript NM_000222.3 (MANE Select); coding-DNA position 1290, A replaced by G.
Protein change: p.Ala430=; no amino-acid change (alanine 430 retained).
Molecular consequence: synonymous variant.
Genome position (GRCh38, 1-based): chr4:54,723,642, A>G. VCF-style: chr4-54723642-A-G. GRCh37 (hg19) VCF-style: chr4-55589808-A-G.
Other names: c.1290A>G, p.Ala430= (NM_001093772.2, NM_001385285.1, NM_001385286.1); c.1293A>G, p.Ala431= (NM_001385284.1, NM_001385288.1, NM_001385290.1 and 1 more transcripts).
Identifiers: ClinVar variation 237239 (VCV000237239.59), dbSNP rs55966164, ClinGen allele CA2923448.

ClinVar aggregate classification (germline): Benign/Likely benign. Review status: criteria provided, multiple submitters, no conflicts (2 of 4 stars). 6 submissions from 6 submitters: Benign (3); Likely benign (2). 1 of the submissions does not count toward it. Last evaluated 2026-06-03.

Conditions:
KIT-related disorder. Also called: KIT-related condition.
Hereditary cancer-predisposing syndrome. Also called: Tumor predisposition; Hereditary Cancer Syndrome; Neoplastic Syndromes, Hereditary; Hereditary neoplastic syndrome. Identifiers: Orphanet 140162, MedGen C0027672, MeSH D009386, MONDO:0015356.
Gastrointestinal stromal tumor. Also called: Gastrointestinal stromal tumor, somatic; Gastrointestinal stroma tumor. Identifiers: Orphanet 44890, MedGen C0238198, MeSH D046152, MONDO:0011719, OMIM 606764, HP:0100723.

Allele frequency attached by ClinVar (database versions not stated): gnomAD 0.00004 and 0.00009; TOPMed 0.00005; ExAC 0.00011; gnomAD exomes 0.00015; 1000 Genomes Project 0.00140; 1000 Genomes Project 30x 0.00141.
gnomAD v4.1: 71 of 1,614,148 alleles (0.0044%); highest among the groups gnomAD compares: East Asian, 0.089%; no homozygotes.

Submissions (6):

Myriad Genetics, Inc.
Classification: Benign for Gastrointestinal stromal tumor. Last evaluated: 2026-06-03. Review status: criteria provided, single submitter. Criteria: Myriad Autosomal Dominant, Autosomal Recessive and X-Linked Classification Criteria (2023). Collection method: clinical testing. Allele origin: unknown.
Comment: This variant is considered benign. This variant is a silent/synonymous amino acid change and it is not expected to impact splicing.

Labcorp Genetics (formerly Invitae), Labcorp
Classification: Benign for Gastrointestinal stromal tumor. Last evaluated: 2026-02-03. Review status: criteria provided, single submitter. Criteria: Invitae Variant Classification Sherloc (09022015). Collection method: clinical testing. Allele origin: germline.

KCCC/NGS Laboratory, Kuwait Cancer Control Center
Classification: Benign for Gastrointestinal stromal tumor. Last evaluated: 2025-02-01. Review status: criteria provided, single submitter. Criteria: ACMG Guidelines, 2015. Collection method: clinical testing. Allele origin: germline. Affected: no.

CeGaT Center for Human Genetics Tuebingen
Classification: Likely benign. Last evaluated: 2019-02-01. Review status: criteria provided, single submitter. Criteria: CeGaT Center For Human Genetics Tuebingen Variant Classification Criteria Version 2. Collection method: clinical testing. Allele origin: germline. Affected: yes. Observed: 1 variant allele.

Ambry Genetics
Classification: Likely benign for Hereditary cancer-predisposing syndrome. Last evaluated: 2018-12-24. Review status: criteria provided, single submitter. Criteria: Ambry Variant Classification Scheme 2023. Collection method: clinical testing. Allele origin: germline.

PreventionGenetics, part of Exact Sciences
Classification: Benign for KIT-related condition. Last evaluated: 2023-12-05. Review status: no assertion criteria provided. Collection method: clinical testing. Allele origin: germline. Not counted in ClinVar's aggregate classification.
Comment: This variant is classified as benign based on ACMG/AMP sequence variant interpretation guidelines (Richards et al. 2015 PMID: 25741868, with internal and published modifications).